The following is an entry in ClinVar:

ClinVar aggregate classification (germline): Uncertain significance (1 of 4 stars; one submission).

Conditions:
UQCRC2-related disorder. Also called: UQCRC2-related condition.

Allele frequency attached by ClinVar (database versions not stated): gnomAD exomes below 0.00001; TOPMed below 0.00001; ExAC 0.00001.
gnomAD v4.1: 4 of 1,614,128 alleles (0.00025%); highest among the groups gnomAD compares: South Asian, 0.0011%; no homozygotes.

Submission:

PreventionGenetics, part of Exact Sciences
Classification: Uncertain significance for UQCRC2-related condition. Last evaluated: 2023-03-16. Review status: criteria provided, single submitter. Criteria: ACMG Guidelines, 2015. Collection method: clinical testing. Allele origin: germline.
Comment: The UQCRC2 c.250C>T variant is predicted to result in the amino acid substitution p.Arg84Cys. To our knowledge, this variant has not been reported in the literature. This variant is reported in 0.0% of alleles in individuals of African descent in gnomAD. At this time, the clinical significance of this variant is uncertain due to the absence of conclusive functional and genetic evidence.

NM_003366.4(UQCRC2):c.250C>T (p.Arg84Cys)

Genes: PDZD9 (PDZ domain containing 9), UQCRC2 (ubiquinol-cytochrome c reductase core protein 2). Cytogenetic location: 16p12.2.
Variant type: single nucleotide variant.
Coding change: c.250C>T on transcript NM_003366.4 (MANE Select); coding-DNA position 250, C replaced by T.
Protein change: p.Arg84Cys; replaces arginine 84 with cysteine.
Molecular consequence: missense variant.
Genome position (GRCh38, 1-based): chr16:21,957,549, C>T. VCF-style: chr16-21957549-C-T. GRCh37 (hg19) VCF-style: chr16-21968870-C-T.
Other names: short protein forms R84C.
Identifiers: ClinVar variation 2633906 (VCV002633906.1), dbSNP rs765554922, ClinGen allele CA7953669.
Genomic context (GRCh38, chr16:21,957,549, plus strand): 5'-TTCATTAAAGCAGGCAGTAGATATGAGGACTTCAGCAATTTAGGAACCACCCATTTGCTG[C>T]GTCTTACATCCAGTCTGGTGAGTATCTTCACTTCCTCAAGTGTTTGGAAATGCTGTGGTA-3'
Protein context (NP_003357.2, residues 74-94): FSNLGTTHLL[Arg84Cys]LTSSLTTKGA